The following is an entry in ClinVar:

ClinVar aggregate classification (germline): Uncertain significance. Review status: criteria provided, single submitter (1 of 4 stars). 2 submissions from 2 submitters: Uncertain significance (1). 1 of the submissions does not count toward it. Last evaluated 2022-08-23.

Conditions:
MHC class II deficiency. Also called: Bare lymphocyte syndrome 2; BLS, TYPE II. Identifiers: Orphanet 572, MedGen C5447452, MONDO:0008855.

Allele frequency attached by ClinVar (database versions not stated): gnomAD 0.00002 and 0.00003; ExAC 0.00003; gnomAD exomes 0.00003; TOPMed 0.00004; ESP Exome Variant Server 0.00015.
gnomAD v4.1: 43 of 1,613,884 alleles (0.0027%); highest among the groups gnomAD compares: Non-Finnish European, 0.0036%; no homozygotes.

Submissions (2):

Labcorp Genetics (formerly Invitae), Labcorp
Classification: Uncertain significance for MHC class II deficiency. Last evaluated: 2022-08-23. Review status: criteria provided, single submitter. Criteria: Invitae Variant Classification Sherloc (09022015). Collection method: clinical testing. Allele origin: germline.
Comment: This sequence change replaces proline, which is neutral and non-polar, with leucine, which is neutral and non-polar, at codon 209 of the CIITA protein (p.Pro209Leu). This variant is present in population databases (rs368326813, gnomAD 0.006%). This variant has not been reported in the literature in individuals affected with CIITA-related conditions. ClinVar contains an entry for this variant (Variation ID: 971428). Algorithms developed to predict the effect of missense changes on protein structure and function output the following: SIFT: "Deleterious"; PolyPhen-2: "Benign"; Align-GVGD: "Class C0". The leucine amino acid residue is found in multiple mammalian species, which suggests that this missense change does not adversely affect protein function. In summary, the available evidence is currently insufficient to determine the role of this variant in disease. Therefore, it has been classified as a Variant of Uncertain Significance.

Natera, Inc.
Classification: Uncertain significance for Bare lymphocyte syndrome type II. Last evaluated: 2020-05-22. Review status: no assertion criteria provided. Collection method: clinical testing. Allele origin: germline. Not counted in ClinVar's aggregate classification.

NM_000246.4(CIITA):c.626C>T (p.Pro209Leu)

Gene: CIITA (class II major histocompatibility complex transactivator; plus strand). Cytogenetic location: 16p13.13.
Variant type: single nucleotide variant.
Coding change: c.626C>T on transcript NM_000246.4 (MANE Select); coding-DNA position 626, C replaced by T.
Protein change: p.Pro209Leu; replaces proline 209 with leucine.
Molecular consequence: missense variant. On other transcripts: non-coding transcript variant (1), intron variant (3).
Genome position (GRCh38, 1-based): chr16:10,902,182, C>T. VCF-style: chr16-10902182-C-T. GRCh37 (hg19) VCF-style: chr16-10996039-C-T.
Other names: c.629C>T, p.Pro210Leu (NM_001286402.1, NM_001379332.1); c.626C>T, p.Pro209Leu (NM_001379333.1); c.557C>T, p.Pro186Leu (NM_001379334.1); c.485-476C>T (NM_001379330.1); c.482-476C>T (NM_001379331.1, NM_001286403.2); short protein forms P209L, P186L, P210L.
Identifiers: ClinVar variation 971428 (VCV000971428.9), dbSNP rs368326813, ClinGen allele CA7899832.